The following is an entry in ClinVar:

NM_024411.5(PDYN):c.456C>T (p.Asn152=)

Genes: PDYN-AS1 (PDYN antisense RNA 1; plus strand), PDYN (prodynorphin; minus strand). Cytogenetic location: 20p13.
Variant type: single nucleotide variant.
Coding change: c.456C>T on transcript NM_024411.5 (MANE Select); coding-DNA position 456, C replaced by T.
Protein change: p.Asn152=; no amino-acid change (asparagine 152 retained).
Molecular consequence: synonymous variant.
Genome position (GRCh38, 1-based): chr20:1,980,632, G>A on the plus strand (C>T on the coding strand, the complement: PDYN is on the minus strand). VCF-style: chr20-1980632-G-A. GRCh37 (hg19) VCF-style: chr20-1961278-G-A.
Other names: c.456C>T, p.Asn152= (NM_001190892.1, NM_001190898.3, NM_001190899.2 and 1 more transcripts).
Identifiers: ClinVar variation 899230 (VCV000899230.12), dbSNP rs148113209, ClinGen allele CA9730296.

ClinVar aggregate classification (germline): Likely benign. Review status: criteria provided, multiple submitters, no conflicts (2 of 4 stars). 2 submissions from 2 submitters: Likely benign (2). Last evaluated 2024-09-04.

Conditions:
Spinocerebellar ataxia type 23 (SCA23). Identifiers: Orphanet 101108, MedGen C1853250, MONDO:0012449, OMIM 610245.

Allele frequency attached by ClinVar (database versions not stated): gnomAD 0.00002 and 0.00003; TOPMed 0.00006; ExAC 0.00011; gnomAD exomes 0.00011; ESP Exome Variant Server 0.00023.

Submissions (2):

Labcorp Genetics (formerly Invitae), Labcorp
Classification: Likely benign. Last evaluated: 2024-09-04. Review status: criteria provided, single submitter. Criteria: Invitae Variant Classification Sherloc (09022015). Collection method: clinical testing. Allele origin: germline.

Illumina Laboratory Services, Illumina
Classification: Likely benign for Spinocerebellar ataxia type 23. Last evaluated: 2018-01-12. Review status: criteria provided, single submitter. Criteria: ICSL Variant Classification Criteria 13 December 2019. Collection method: clinical testing. Allele origin: germline.
Comment: This variant was observed in the ICSL laboratory as part of a predisposition screen in an ostensibly healthy population. It had not been previously curated by ICSL or reported in the Human Gene Mutation Database (HGMD: prior to June 1st, 2018), and was therefore a candidate for classification through an automated scoring system. Utilizing variant allele frequency, disease prevalence and penetrance estimates, and inheritance mode, an automated score was calculated to assess if this variant is too frequent to cause the disease. Based on the score and internal cut-off values, a variant classified as likely benign is not then subjected to further curation. The score for this variant resulted in a classification of likely benign for this disease.